The following is an entry in ClinVar:

ClinVar aggregate classification (germline): Uncertain significance (1 of 4 stars; one submission).

Conditions:
Creatine transporter deficiency (CCDS1). Also called: CEREBRAL CREATINE DEFICIENCY SYNDROME 1; Mental retardation , X-linked with seizures, short stature and midface hypoplasia; Mental retardation , X-linked, with creatine transport deficiency; X-linked creatine transporter deficiency; X-linked creatine deficiency syndrome; SLC6A8-Related Creatine Transporter Deficiency. Identifiers: Orphanet 52503, MedGen C1845862, MONDO:0010305, OMIM 300352.

Submission:

Labcorp Genetics (formerly Invitae), Labcorp
Classification: Uncertain significance for Creatine transporter deficiency. Last evaluated: 2024-12-09. Review status: criteria provided, single submitter. Criteria: Invitae Variant Classification Sherloc (09022015). Collection method: clinical testing. Allele origin: germline.
Comment: This sequence change replaces proline, which is neutral and non-polar, with serine, which is neutral and polar, at codon 37 of the SLC6A8 protein (p.Pro37Ser). This variant is not present in population databases (gnomAD no frequency). This variant has not been reported in the literature in individuals affected with SLC6A8-related conditions. ClinVar contains an entry for this variant (Variation ID: 2170587). Invitae Evidence Modeling of protein sequence and biophysical properties (such as structural, functional, and spatial information, amino acid conservation, physicochemical variation, residue mobility, and thermodynamic stability) indicates that this missense variant is not expected to disrupt SLC6A8 protein function with a negative predictive value of 95%. In summary, the available evidence is currently insufficient to determine the role of this variant in disease. Therefore, it has been classified as a Variant of Uncertain Significance.

NM_005629.4(SLC6A8):c.109C>T (p.Pro37Ser)

Gene: SLC6A8 (solute carrier family 6 member 8; plus strand). Cytogenetic location: Xq28.
Variant type: single nucleotide variant.
Coding change: c.109C>T on transcript NM_005629.4 (MANE Select); coding-DNA position 109, C replaced by T.
Protein change: p.Pro37Ser; replaces proline 37 with serine.
Molecular consequence: missense variant.
Genome position (GRCh38, 1-based): chrX:153,688,683, C>T. VCF-style: chrX-153688683-C-T. GRCh37 (hg19) VCF-style: chrX-152954138-C-T.
Other names: c.109C>T, p.Pro37Ser (NM_001142805.2); short protein forms P37S.
Identifiers: ClinVar variation 2170587 (VCV002170587.4), dbSNP rs2522145001, ClinGen allele CA415076286.
Genomic context (GRCh38, chrX:153,688,683, plus strand): 5'-GAGAAGAAGGGCCCCCTCATCGCGCCCGGGCCCGACGGGGCCCCGGCCAAGGGCGACGGC[C>T]CCGTGGGCCTGGGGACACCCGGCGGCCGCCTGGCCGTGCCGCCGCGCGAGACCTGGACGC-3'
Protein context (NP_005620.1, residues 27-47): PDGAPAKGDG[Pro37Ser]VGLGTPGGRL